The following is an entry in ClinVar:

ClinVar aggregate classification (germline): Likely benign. Review status: criteria provided, single submitter (1 of 4 stars). 2 submissions from 2 submitters: Likely benign (1). 1 of the submissions does not count toward it. Last evaluated 2023-12-01.

Conditions:
KBG syndrome (KBGS). Also called: ANKRD11-Related KBG Syndrome. Identifiers: Orphanet 2332, MedGen C0220687, MONDO:0007846, OMIM 148050.
ANKRD11-related disorder. Also called: ANKRD11-related condition.

Allele frequency attached by ClinVar (database versions not stated): ExAC 0.00004; TOPMed 0.00005; gnomAD 0.00007; ESP Exome Variant Server 0.00008; 1000 Genomes Project 30x 0.00016; 1000 Genomes Project 0.00020.

Submissions (2):

Labcorp Genetics (formerly Invitae), Labcorp
Classification: Likely benign for KBG syndrome. Last evaluated: 2023-12-01. Review status: criteria provided, single submitter. Criteria: Invitae Variant Classification Sherloc (09022015). Collection method: clinical testing. Allele origin: germline.

PreventionGenetics, part of Exact Sciences
Classification: Likely benign for ANKRD11-related condition. Last evaluated: 2023-03-31. Review status: no assertion criteria provided. Collection method: clinical testing. Allele origin: germline. Not counted in ClinVar's aggregate classification.
Comment: This variant is classified as likely benign based on ACMG/AMP sequence variant interpretation guidelines (Richards et al. 2015 PMID: 25741868, with internal and published modifications).

NM_013275.6(ANKRD11):c.4452G>C (p.Leu1484=)

Gene: ANKRD11 (ankyrin repeat domain 11; minus strand). Cytogenetic location: 16q24.3.
Variant type: single nucleotide variant.
Coding change: c.4452G>C on transcript NM_013275.6 (MANE Select); coding-DNA position 4452, G replaced by C.
Protein change: p.Leu1484=; no amino-acid change (leucine 1484 retained).
Molecular consequence: synonymous variant.
Genome position (GRCh38, 1-based): chr16:89,282,090, C>G on the plus strand (G>C on the coding strand, the complement: ANKRD11 is on the minus strand). VCF-style: chr16-89282090-C-G. GRCh37 (hg19) VCF-style: chr16-89348498-C-G.
Other names: c.4452G>C, p.Leu1484= (NM_001256182.2, NM_001256183.2); c.4452G>C (NM_013275.5).
Identifiers: ClinVar variation 2769072 (VCV002769072.5), dbSNP rs141176278, ClinGen allele CA8242109.
Genomic context (GRCh38, chr16:89,282,090, plus strand): 5'-GGTGGCGGGCTTCTGCTCGTCCCTGTGATGCCGCAGGAGCTCGTCCCTGTGATGCCGCAG[C>G]AGCCCATCCGCATGCCTGTCCCGGTGCCTCTCCTTCTCGTCTCTCCATTTCTCCCTGTGT-3'
Protein context (NP_037407.4, residues 1474-1494): ERHRDRHADG[Leu1484=]LRHHRDELLR